The following is an entry in ClinVar:

ClinVar aggregate classification (germline): Uncertain significance. Review status: criteria provided, multiple submitters, no conflicts (2 of 4 stars). 2 submissions from 2 submitters: Uncertain significance (2). Last evaluated 2022-11-15.

Conditions:
Nephronophthisis. Also called: Juvenile Nephronophthisis. Identifiers: Orphanet 655, MedGen C0687120, MONDO:0019005, HP:0000090.

Allele frequency attached by ClinVar (database versions not stated): ExAC 0.00004; gnomAD 0.00004.
gnomAD v4.1: 58 of 1,611,894 alleles (0.0036%); highest among the groups gnomAD compares: Non-Finnish European, 0.00025%; no homozygotes.

Submissions (2):

Blueprint Genetics
Classification: Uncertain significance. Last evaluated: 2022-11-15. Review status: criteria provided, single submitter. Criteria: ACMG Guidelines, 2015. Collection method: clinical testing. Allele origin: germline.

Labcorp Genetics (formerly Invitae), Labcorp
Classification: Uncertain significance for Nephronophthisis. Last evaluated: 2021-02-17. Review status: criteria provided, single submitter. Criteria: Invitae Variant Classification Sherloc (09022015). Collection method: clinical testing. Allele origin: germline.
Comment: In summary, the available evidence is currently insufficient to determine the role of this variant in disease. Therefore, it has been classified as a Variant of Uncertain Significance. Algorithms developed to predict the effect of missense changes on protein structure and function (SIFT, PolyPhen-2, Align-GVGD) all suggest that this variant is likely to be tolerated, but these predictions have not been confirmed by published functional studies and their clinical significance is uncertain. This variant has not been reported in the literature in individuals with NPHP4-related conditions. This variant is present in population databases (rs775526590, ExAC 0.04%). This sequence change replaces glycine with alanine at codon 1031 of the NPHP4 protein (p.Gly1031Ala). The glycine residue is weakly conserved and there is a small physicochemical difference between glycine and alanine.

NM_015102.5(NPHP4):c.3092G>C (p.Gly1031Ala)

Gene: NPHP4 (nephrocystin 4; minus strand). Cytogenetic location: 1p36.31.
Variant type: single nucleotide variant.
Coding change: c.3092G>C on transcript NM_015102.5 (MANE Select); coding-DNA position 3092, G replaced by C.
Protein change: p.Gly1031Ala; replaces glycine 1031 with alanine.
Molecular consequence: missense variant. On other transcripts: non-coding transcript variant (1).
Genome position (GRCh38, 1-based): chr1:5,874,610, C>G on the plus strand (G>C on the coding strand, the complement: NPHP4 is on the minus strand). VCF-style: chr1-5874610-C-G. GRCh37 (hg19) VCF-style: chr1-5934670-C-G.
Other names: c.1553G>C, p.Gly518Ala (NM_001291593.2); c.1556G>C, p.Gly519Ala (NM_001291594.2); short protein forms G1031A, G519A, G518A.
Identifiers: ClinVar variation 1402143 (VCV001402143.9), dbSNP rs775526590, ClinGen allele CA553798.